The following is an entry in ClinVar:

NM_000064.4(C3):c.1757A>C (p.Glu586Ala)

Gene: C3 (complement C3; minus strand). Cytogenetic location: 19p13.3.
Variant type: single nucleotide variant.
Coding change: c.1757A>C on transcript NM_000064.4 (MANE Select); coding-DNA position 1757, A replaced by C.
Protein change: p.Glu586Ala; replaces glutamic acid 586 with alanine.
Molecular consequence: missense variant.
Genome position (GRCh38, 1-based): chr19:6,709,772, T>G on the plus strand (A>C on the coding strand, the complement: C3 is on the minus strand). VCF-style: chr19-6709772-T-G. GRCh37 (hg19) VCF-style: chr19-6709783-T-G.
Other names: short protein forms E586A.
Identifiers: ClinVar variation 4280295 (VCV004280295.1).
Genomic context (GRCh38, chr19:6,709,772, plus strand): 5'-TTCAGCACGAACACGCCCTTGTCCACGGCCACCAGTACCACCCGGGCCCCGTGGTCACCC[T>G]CTATCTTCAGGGTCATCTGCTGCCCAGGTACAGGCTGCCGGTCTTCTGACTGGCCGCTTT-3'
Protein context (NP_000055.2, residues 576-596): VPGQQMTLKI[Glu586Ala]GDHGARVVLV

ClinVar aggregate classification (germline): Uncertain significance (1 of 4 stars; one submission).

Conditions:
Complement component 3 deficiency. Identifiers: Orphanet 280133, MedGen C3151071, MONDO:0013417, OMIM 613779.
C3 glomerulonephritis. Also called: Nephropathy due to CFHR5 Deficiency; C3 GLOMERULOPATHY 3. Identifiers: Orphanet 329931, MedGen C4055342, MONDO:0013892, OMIM 614809.
Atypical hemolytic-uremic syndrome. Identifiers: Orphanet 2134, MedGen C2931788, MONDO:0016244.

Submission:

Genomenon, Inc
Classification: Uncertain significance for Complement component 3 deficiency; C3 glomerulonephritis; Atypical hemolytic-uremic syndrome. Last evaluated: 2025-09-30. Review status: criteria provided, single submitter. Criteria: Genomenon Sequence Variant Interpretation Standards. Collection method: curation. Allele origin: germline. Affected: no.
Comment: C3 p.Glu586Ala (c.1757A>C) is a missense variant that changes the amino acid at residue 586 from Glutamic acid to Alanine. This variant has been reported in the published literature (PMID:28254726). It is absent or not present at a significant frequency in gnomAD. In conclusion, we classify C3 p.Glu586Ala (c.1757A>C) as a variant of unknown significance.

Literature cited by the submitters: PubMed 28254726.